The following is an entry in ClinVar:

ClinVar aggregate classification (germline): Likely benign (1 of 4 stars; one submission).

Conditions:
CDX1-related disorder. Also called: CDX1-related condition.

gnomAD v4.1: 256 of 1,427,416 alleles (0.018%); highest among the groups gnomAD compares: African/African-American, 0.35%; no homozygotes.

Submission:

PreventionGenetics, part of Exact Sciences
Classification: Likely benign for CDX1-related condition. Last evaluated: 2026-02-03. Review status: criteria provided, single submitter. Criteria: ACMG Guidelines, 2015. Collection method: clinical testing. Allele origin: germline.
Comment: This variant is classified as likely benign based on ACMG/AMP sequence variant interpretation guidelines (Richards et al. 2015 PMID: 25741868, with internal and published modifications).

NM_001804.3(CDX1):c.180C>A (p.Ala60=)

Gene: CDX1 (caudal type homeobox 1; plus strand). Cytogenetic location: 5q32.
Variant type: single nucleotide variant.
Coding change: c.180C>A on transcript NM_001804.3 (MANE Select); coding-DNA position 180, C replaced by A.
Protein change: p.Ala60=; no amino-acid change (alanine 60 retained).
Molecular consequence: synonymous variant.
Genome position (GRCh38, 1-based): chr5:150,167,056, C>A. VCF-style: chr5-150167056-C-A. GRCh37 (hg19) VCF-style: chr5-149546619-C-A.
Identifiers: ClinVar variation 4987804 (VCV004987804.1).
Genomic context (GRCh38, chr5:150,167,056, plus strand): 5'-GCAGTACCCCGACTTCTCCAGCTACTCTCACGTGGAGCCGGCCCCCGCGCCCCCGACGGC[C>A]TGGGGGGCGCCCTTCCCTGCGCCCAAGGACGACTGGGCCGCCGCCTACGGCCCGGGCCCC-3'
Protein context (NP_001795.2, residues 50-70): HVEPAPAPPT[Ala60=]WGAPFPAPKD